The following is an entry in ClinVar:

NM_002693.3(POLG):c.3005A>G (p.Glu1002Gly)

Gene: POLG (DNA polymerase gamma, catalytic subunit; minus strand). Cytogenetic location: 15q26.1.
Variant type: single nucleotide variant.
Coding change: c.3005A>G on transcript NM_002693.3 (MANE Select); coding-DNA position 3005, A replaced by G.
Protein change: p.Glu1002Gly; replaces glutamic acid 1002 with glycine.
Molecular consequence: missense variant.
Genome position (GRCh38, 1-based): chr15:89,319,327, T>C on the plus strand (A>G on the coding strand, the complement: POLG is on the minus strand). VCF-style: chr15-89319327-T-C. GRCh37 (hg19) VCF-style: chr15-89862558-T-C.
Other names: c.3005A>G, p.Glu1002Gly (NM_001126131.2); short protein forms E1002G.
Identifiers: ClinVar variation 2831674 (VCV002831674.3), dbSNP rs2509210480, ClinGen allele CA393751454.
Genomic context (GRCh38, chr15:89,319,327, plus strand): 5'-AGGGAAATCCAGCCACCCTCAGTCCTGTCCACTGGGAGGTTCAACTCCCTCACCAGCCAC[T>C]CGCCCTCATCCGACAGCCGATACCTGGGGGCAGTGTTATCACCATCATTCCACGGGAGTG-3'
Protein context (NP_002684.1, residues 992-1012): LRWYRLSDEG[Glu1002Gly]WLVRELNLPV

ClinVar aggregate classification (germline): Uncertain significance (1 of 4 stars; one submission).

Conditions:
Progressive sclerosing poliodystrophy (MTDPS4A). Also called: ALPERS PROGRESSIVE INFANTILE POLIODYSTROPHY; NEURONAL DEGENERATION OF CHILDHOOD WITH LIVER DISEASE, PROGRESSIVE; Alpers Syndrome; ALPERS DIFFUSE DEGENERATION OF CEREBRAL GRAY MATTER WITH HEPATIC CIRRHOSIS; Alpers-Huttenlocher Syndrome; Mitochondrial DNA Depletion Syndrome 4A. Identifiers: Orphanet 726, MedGen C0205710, MONDO:0008758, OMIM 203700.

Submission:

Labcorp Genetics (formerly Invitae), Labcorp
Classification: Uncertain significance for Progressive sclerosing poliodystrophy. Last evaluated: 2024-02-05. Review status: criteria provided, single submitter. Criteria: Invitae Variant Classification Sherloc (09022015). Collection method: clinical testing. Allele origin: germline.
Comment: This sequence change replaces glutamic acid, which is acidic and polar, with glycine, which is neutral and non-polar, at codon 1002 of the POLG protein (p.Glu1002Gly). This variant is not present in population databases (gnomAD no frequency). This variant has not been reported in the literature in individuals affected with POLG-related conditions. Advanced modeling of protein sequence and biophysical properties (such as structural, functional, and spatial information, amino acid conservation, physicochemical variation, residue mobility, and thermodynamic stability) performed at Invitae indicates that this missense variant is expected to disrupt POLG protein function with a positive predictive value of 95%. Algorithms developed to predict the effect of sequence changes on RNA splicing suggest that this variant may disrupt the consensus splice site. In summary, the available evidence is currently insufficient to determine the role of this variant in disease. Therefore, it has been classified as a Variant of Uncertain Significance.